The following is an entry in ClinVar:

NM_004612.4(TGFBR1):c.1073A>G (p.His358Arg)

Gene: TGFBR1 (transforming growth factor beta receptor 1; plus strand). Cytogenetic location: 9q22.33.
Variant type: single nucleotide variant.
Coding change: c.1073A>G on transcript NM_004612.4 (MANE Select); coding-DNA position 1073, A replaced by G.
Protein change: p.His358Arg; replaces histidine 358 with arginine.
Molecular consequence: missense variant. On other transcripts: non-coding transcript variant (4).
Genome position (GRCh38, 1-based): chr9:99,144,831, A>G. VCF-style: chr9-99144831-A-G. GRCh37 (hg19) VCF-style: chr9-101907113-A-G.
Other names: c.842A>G, p.His281Arg (NM_001130916.3, NM_001407435.1); c.1085A>G, p.His362Arg (NM_001306210.2); c.917A>G, p.His306Arg (NM_001407416.1); c.905A>G, p.His302Arg (NM_001407417.1); c.878A>G, p.His293Arg (NM_001407418.1, NM_001407419.1, NM_001407420.1 and 1 more transcripts); c.866A>G, p.His289Arg (NM_001407423.1, NM_001407424.1, NM_001407425.1 and 8 more transcripts); c.827A>G, p.His276Arg (NM_001407436.1); c.365A>G, p.His122Arg (NM_001407437.1); and 1 more; short protein forms H122R, H199R, H276R, H281R, H289R, H293R, H302R, H306R.
Identifiers: ClinVar variation 3071921 (VCV003071921.1), dbSNP rs2490237698, ClinGen allele CA374231537.

ClinVar aggregate classification (germline): Uncertain significance (1 of 4 stars; one submission).

Conditions:
Loeys-Dietz syndrome (LDS). Identifiers: Orphanet 60030, MedGen C2697932, MONDO:0018954.

Allele frequency attached by ClinVar (database versions not stated): gnomAD exomes below 0.00001.
gnomAD v4.1: 1 of 1,614,084 alleles (0.000062%); highest among the groups gnomAD compares: Non-Finnish European, 0.000085%; no homozygotes.

Submission:

All of Us Research Program, National Institutes of Health
Classification: Uncertain significance for Loeys-Dietz syndrome. Last evaluated: 2023-06-26. Review status: criteria provided, single submitter. Criteria: ACMG Guidelines, 2015. Collection method: clinical testing. Allele origin: germline. Inheritance: Autosomal dominant inheritance. Observed: 1 variant allele, 1 heterozygote.
Comment: This missense variant replaces histidine with arginine at codon 358 of the TGFBR1 protein. Computational prediction is inconclusive regarding the impact of this variant on protein structure and function (internally defined REVEL score threshold 0.5 < inconclusive < 0.7, PMID: 27666373). To our knowledge, functional studies have not been reported for this variant. This variant has not been reported in individuals affected with TGFBR1-related disorders in the literature. This variant has not been identified in the general population by the Genome Aggregation Database (gnomAD). The available evidence is insufficient to determine the role of this variant in disease conclusively. Therefore, this variant is classified as a Variant of Uncertain Significance.

This study involves interpretation of variants in research participants for the purpose of population health screening. Participant phenotype was not available at the time of variant classification. Additional details can be found in publication PMID: 35346344, PMCID: PMC8962531